The following is an entry in ClinVar:

NM_000089.4(COL1A2):c.1068G>C (p.Glu356Asp)

Gene: COL1A2 (collagen type I alpha 2 chain; plus strand). Cytogenetic location: 7q21.3.
Variant type: single nucleotide variant.
Coding change: c.1068G>C on transcript NM_000089.4 (MANE Select); coding-DNA position 1068, G replaced by C.
Protein change: p.Glu356Asp; replaces glutamic acid 356 with aspartic acid.
Molecular consequence: missense variant.
Genome position (GRCh38, 1-based): chr7:94,410,274, G>C. VCF-style: chr7-94410274-G-C. GRCh37 (hg19) VCF-style: chr7-94039586-G-C.
Other names: short protein forms E356D.
Identifiers: ClinVar variation 373458 (VCV000373458.10), dbSNP rs1057518430, ClinGen allele CA16042605.
Genomic context (GRCh38, chr7:94,410,274, plus strand): 5'-TTGACCACTGTTCTGTATTGAACCCTAGGGTGAGCCTGGTCCAGCTGGCTCCAAAGGAGA[G>C]AGCGGTAACAAGGGTGAGCCCGTAAGTAGCTCTATCATCACACTTTTATAAAGTTAATTG-3'
Protein context (NP_000080.2, residues 346-366): GEPGPAGSKG[Glu356Asp]SGNKGEPGSA

ClinVar aggregate classification (germline): Uncertain significance. Review status: criteria provided, multiple submitters, no conflicts (2 of 4 stars). 2 submissions from 2 submitters: Uncertain significance (2). Last evaluated 2022-10-02.

Conditions:
Osteogenesis imperfecta type I (OI1). Also called: Lobstein disease; OI, TYPE I; OSTEOGENESIS IMPERFECTA TARDA; OSTEOGENESIS IMPERFECTA WITH BLUE SCLERAE; Classic Non-deforming Osteogenesis Imperfecta with Blue Sclerae; Osteogenesis imperfecta type 1. Identifiers: Orphanet 216796, Orphanet 666, MedGen C0023931, MONDO:0008146, OMIM 166200. Disease mechanism: loss of function.
Ehlers-Danlos syndrome, classic type, 1 (EDSCL1). Also called: EHLERS-DANLOS SYNDROME, GRAVIS TYPE; EHLERS-DANLOS SYNDROME, SEVERE CLASSIC TYPE; Ehlers-Danlos Syndrome, Classic Type, COL5A1-Related; EDS I; Ehlers-Danlos syndrome, type 1. Identifiers: MedGen C0268335, MONDO:0019567, OMIM 130000.

Allele frequency attached by ClinVar (database versions not stated): gnomAD exomes below 0.00001.

Submissions (2):

Labcorp Genetics (formerly Invitae), Labcorp
Classification: Uncertain significance for Osteogenesis imperfecta type I; Ehlers-Danlos syndrome, classic type, 1. Last evaluated: 2022-10-02. Review status: criteria provided, single submitter. Criteria: Invitae Variant Classification Sherloc (09022015). Collection method: clinical testing. Allele origin: germline.
Comment: This sequence change replaces glutamic acid, which is acidic and polar, with aspartic acid, which is acidic and polar, at codon 356 of the COL1A2 protein (p.Glu356Asp). This variant is present in population databases (no rsID available, gnomAD 0.0009%). This variant has not been reported in the literature in individuals affected with COL1A2-related conditions. ClinVar contains an entry for this variant (Variation ID: 373458). Advanced modeling of protein sequence and biophysical properties (such as structural, functional, and spatial information, amino acid conservation, physicochemical variation, residue mobility, and thermodynamic stability) performed at Invitae indicates that this missense variant is not expected to disrupt COL1A2 protein function. In summary, the available evidence is currently insufficient to determine the role of this variant in disease. Therefore, it has been classified as a Variant of Uncertain Significance.

GeneDx
Classification: Uncertain significance. Last evaluated: 2016-12-02. Review status: criteria provided, single submitter. Criteria: GeneDx Variant Classification (06012015). Collection method: clinical testing. Allele origin: germline. Affected: yes.
Comment: The E356D variant in the COL1A2 gene has not been reported previously as a pathogenic variant, nor as a benign variant, to our knowledge. The E356D variant was not observed in approximately 6500 individuals of European and African American ancestry in the NHLBI Exome Sequencing Project, indicating it is not a common benign variant in these populations. The E356D variant is a conservative amino acid substitution, which is not likely to impact secondary protein structure as these residues share similar properties. This substitution occurs at a position where amino acids with similar properties to Glutamic Acid are tolerated across species. In silico analysis is inconsistent in its predictions as to whether or not the variant is damaging to the protein structure/function. We interpret E356D as a variant of uncertain significance.